The following is an entry in ClinVar:

NM_001035.3(RYR2):c.834G>A (p.Glu278=)

Gene: RYR2 (ryanodine receptor 2; plus strand). Cytogenetic location: 1q43.
Variant type: single nucleotide variant.
Coding change: c.834G>A on transcript NM_001035.3 (MANE Select); coding-DNA position 834, G replaced by A.
Protein change: p.Glu278=; no amino-acid change (glutamic acid 278 retained).
Molecular consequence: synonymous variant.
Genome position (GRCh38, 1-based): chr1:237,417,109, G>A. VCF-style: chr1-237417109-G-A. GRCh37 (hg19) VCF-style: chr1-237580409-G-A.
Identifiers: ClinVar variation 1658084 (VCV001658084.13), dbSNP rs776594549, ClinGen allele CA087613.
Genomic context (GRCh38, chr1:237,417,109, plus strand): 5'-AACTGTTCATTATGAAGGTGGCGCTGTGTCTGTTCATGCACGTTCCCTTTGGAGACTAGA[G>A]ACGCTAAGAGTTGCGTAAGTAGAACTTCTAAACACAGCCTAATGCACCAAGTGTACCAAA-3'
Protein context (NP_001026.2, residues 268-288): SVHARSLWRL[Glu278=]TLRVAWSGSH

ClinVar aggregate classification (germline): Likely benign. Review status: criteria provided, multiple submitters, no conflicts (2 of 4 stars). 4 submissions from 4 submitters: Likely benign (4). Last evaluated 2023-12-01.

Conditions:
Cardiovascular phenotype. Identifiers: MedGen CN230736.
Cardiomyopathy (CMYO). Also called: Cardiomyopathies. Identifiers: Orphanet 167848, MedGen C0878544, MONDO:0004994, HP:0001638. Inheritance: Various modes of inheritance.
Catecholaminergic polymorphic ventricular tachycardia (CVPT). Also called: Catecholamine-induced polymorphic ventricular tachycardia. Identifiers: Orphanet 3286, MedGen C5574922, MONDO:0017990.
Catecholaminergic polymorphic ventricular tachycardia 1. Also called: VENTRICULAR TACHYCARDIA, CATECHOLAMINERGIC POLYMORPHIC, 1, WITH OR WITHOUT ATRIAL DYSFUNCTION AND/OR DILATED CARDIOMYOPATHY; VENTRICULAR TACHYCARDIA, STRESS-INDUCED POLYMORPHIC 1; RYR2-Related Catecholaminergic Polymorphic Ventricular Tachycardia. Identifiers: Orphanet 3286, MedGen C1631597, MONDO:0011484, OMIM 604772.

Allele frequency attached by ClinVar (database versions not stated): gnomAD exomes below 0.00001 and 0.00002; ExAC 0.00001.
gnomAD v4.1: 36 of 1,613,534 alleles (0.0022%); highest among the groups gnomAD compares: Non-Finnish European, 0.0027%; no homozygotes.

Submissions (4):

All of Us Research Program, National Institutes of Health
Classification: Likely benign for Catecholaminergic polymorphic ventricular tachycardia. Last evaluated: 2023-12-01. Review status: criteria provided, single submitter. Criteria: ACMG Guidelines, 2015. Collection method: clinical testing. Allele origin: germline. Inheritance: Autosomal dominant inheritance. Observed: 7 variant alleles, 7 heterozygotes.
Comment: This study involves interpretation of variants in research participants for the purpose of population health screening. Participant phenotype was not available at the time of variant classification. Additional details can be found in publication PMID: 35346344, PMCID: PMC8962531

Labcorp Genetics (formerly Invitae), Labcorp
Classification: Likely benign for Catecholaminergic polymorphic ventricular tachycardia 1. Last evaluated: 2023-07-21. Review status: criteria provided, single submitter. Criteria: Invitae Variant Classification Sherloc (09022015). Collection method: clinical testing. Allele origin: germline.

Color Diagnostics, LLC DBA Color Health
Classification: Likely benign for Cardiomyopathy. Last evaluated: 2022-11-06. Review status: criteria provided, single submitter. Criteria: ACMG Guidelines, 2015. Collection method: clinical testing. Allele origin: germline.

Ambry Genetics
Classification: Likely benign for Cardiovascular phenotype. Last evaluated: 2021-06-22. Review status: criteria provided, single submitter. Criteria: Ambry Variant Classification Scheme 2023. Collection method: clinical testing. Allele origin: germline.